The following is an entry in ClinVar:

ClinVar aggregate classification (germline): Likely benign (0 of 4 stars; one submission).

Conditions:
MUSK-related disorder. Also called: MUSK-related disorders; MUSK-related condition.

Allele frequency attached by ClinVar (database versions not stated): TOPMed below 0.00001; gnomAD 0.00001.
gnomAD v4.1: 1 of 1,505,794 alleles (0.000066%); highest among the groups gnomAD compares: East Asian, 0.0023%; no homozygotes.

Submission:

PreventionGenetics, part of Exact Sciences
Classification: Likely benign for MUSK-related condition. Last evaluated: 2023-03-22. Review status: no assertion criteria provided. Collection method: clinical testing. Allele origin: germline.
Comment: This variant is classified as likely benign based on ACMG/AMP sequence variant interpretation guidelines (Richards et al. 2015 PMID: 25741868, with internal and published modifications).

NM_005592.4(MUSK):c.*4T>C

Gene: MUSK (muscle associated receptor tyrosine kinase; plus strand). Cytogenetic location: 9q31.3.
Variant type: single nucleotide variant.
Coding change: c.*4T>C on transcript NM_005592.4 (MANE Select); 4 bases downstream of the stop codon, T replaced by C.
Molecular consequence: 3 prime UTR variant.
Genome position (GRCh38, 1-based): chr9:110,800,992, T>C. VCF-style: chr9-110800992-T-C. GRCh37 (hg19) VCF-style: chr9-113563272-T-C.
Other names: c.*4T>C (NM_001166280.2, NM_001166281.2, NM_001369398.1).
Identifiers: ClinVar variation 3045621 (VCV003045621.2), dbSNP rs1470262151, ClinGen allele CA858629139.